The following is an entry in ClinVar:

NM_032444.4(SLX4):c.3646C>T (p.Gln1216Ter)

Gene: SLX4 (SLX4 structure-specific endonuclease subunit; minus strand). Cytogenetic location: 16p13.3.
Variant type: single nucleotide variant.
Coding change: c.3646C>T on transcript NM_032444.4 (MANE Select); coding-DNA position 3646, C replaced by T.
Protein change: p.Gln1216Ter; replaces glutamine 1216 with a stop codon.
Molecular consequence: nonsense.
Genome position (GRCh38, 1-based): chr16:3,589,992, G>A on the plus strand (C>T on the coding strand, the complement: SLX4 is on the minus strand). VCF-style: chr16-3589992-G-A. GRCh37 (hg19) VCF-style: chr16-3639993-G-A.
Other names: short protein forms Q1216*.
Identifiers: ClinVar variation 2781606 (VCV002781606.3), dbSNP rs2151123189, ClinGen allele CA394519688.
Genomic context (GRCh38, chr16:3,589,992, plus strand): 5'-AGGGAGCCCCTCTCCTGCCCAAAGAGCCCCGATTCTCCGGCAGCGCCCCCTCATCCTCCT[G>A]CTGCAGCACAGCTTCGCTTCTTGGTGGGCTCTGGGAAGGTTCCTGATCTGCATCAACATC-3'

ClinVar aggregate classification (germline): Pathogenic (1 of 4 stars; one submission).

Conditions:
Fanconi anemia (FA). Also called: Fanconi's anemia. Identifiers: Orphanet 84, MedGen C0015625, MeSH D005199, MONDO:0019391.

Submission:

Labcorp Genetics (formerly Invitae), Labcorp
Classification: Pathogenic for Fanconi anemia. Last evaluated: 2023-12-21. Review status: criteria provided, single submitter. Criteria: Invitae Variant Classification Sherloc (09022015). Collection method: clinical testing. Allele origin: germline.
Comment: This sequence change creates a premature translational stop signal (p.Gln1216*) in the SLX4 gene. It is expected to result in an absent or disrupted protein product. Loss-of-function variants in SLX4 are known to be pathogenic (PMID: 21240277). This variant is not present in population databases (gnomAD no frequency). This variant has not been reported in the literature in individuals affected with SLX4-related conditions. For these reasons, this variant has been classified as Pathogenic.

Literature cited by the submitters: PubMed 21240277.